The following is an entry in ClinVar:

NM_005859.5(PURA):c.769A>G (p.Ile257Val)

Gene: PURA (purine rich element binding protein A; plus strand). Cytogenetic location: 5q31.3.
Variant type: single nucleotide variant.
Coding change: c.769A>G on transcript NM_005859.5 (MANE Select); coding-DNA position 769, A replaced by G.
Protein change: p.Ile257Val; replaces isoleucine 257 with valine.
Molecular consequence: missense variant.
Genome position (GRCh38, 1-based): chr5:140,114,950, A>G. VCF-style: chr5-140114950-A-G. GRCh37 (hg19) VCF-style: chr5-139494535-A-G.
Other names: short protein forms I257V.
Identifiers: ClinVar variation 1041386 (VCV001041386.9), dbSNP rs770307150, ClinGen allele CA3437501.

ClinVar aggregate classification (germline): Uncertain significance (1 of 4 stars; one submission).

Conditions:
PURA-related severe neonatal hypotonia-seizures-encephalopathy syndrome (NEDRIHF). Also called: PURA-Related Neurodevelopmental Disorders; NEURODEVELOPMENTAL DISORDER WITH NEONATAL RESPIRATORY INSUFFICIENCY, HYPOTONIA, AND FEEDING DIFFICULTIES. Identifiers: Orphanet 438213, Orphanet 438216, MedGen C4015357, MONDO:1060108, OMIM 616158, MONDO:0018580.

Allele frequency attached by ClinVar (database versions not stated): gnomAD exomes below 0.00001; ExAC 0.00001.

Submission:

Labcorp Genetics (formerly Invitae), Labcorp
Classification: Uncertain significance for PURA-related severe neonatal hypotonia-seizures-encephalopathy syndrome. Last evaluated: 2020-07-07. Review status: criteria provided, single submitter. Criteria: Invitae Variant Classification Sherloc (09022015). Collection method: clinical testing. Allele origin: germline.
Comment: This sequence change replaces isoleucine with valine at codon 257 of the PURA protein (p.Ile257Val). The isoleucine residue is highly conserved and there is a small physicochemical difference between isoleucine and valine. This variant is present in population databases (rs770307150, ExAC 0.002%). This variant has not been reported in the literature in individuals with PURA-related conditions. Algorithms developed to predict the effect of missense changes on protein structure and function are either unavailable or do not agree on the potential impact of this missense change (SIFT: "Tolerated"; PolyPhen-2: "Possibly Damaging"; Align-GVGD: "Class C0"). In summary, the available evidence is currently insufficient to determine the role of this variant in disease. Therefore, it has been classified as a Variant of Uncertain Significance.